The following is an entry in ClinVar:

ClinVar aggregate classification (germline): Conflicting classifications of pathogenicity. Review status: criteria provided, conflicting classifications (1 of 4 stars). 4 submissions from 4 submitters: Pathogenic (1); Uncertain significance (2). 1 of the submissions does not count toward it. Last evaluated 2025-12-27.

Conditions:
Cardiovascular phenotype. Identifiers: MedGen CN230736.
Familial long QT syndrome (RWS). Also called: Congenital long QT syndrome; Romano-Ward syndrome; VENTRICULAR FIBRILLATION WITH PROLONGED QT INTERVAL. Identifiers: Orphanet 768, MedGen C1141890, MONDO:0019171.
Long QT syndrome (LQTS). Identifiers: MedGen C0023976, MeSH D008133, MONDO:0002442. Disease mechanism: loss of function. Inheritance: Various modes of inheritance.

Allele frequency attached by ClinVar (database versions not stated): gnomAD exomes below 0.00001.
gnomAD v4.1: 4 of 1,613,946 alleles (0.00025%); highest among the groups gnomAD compares: Non-Finnish European, 0.00034%; no homozygotes.

Submissions (4):

Labcorp Genetics (formerly Invitae), Labcorp
Classification: Pathogenic for Long QT syndrome. Last evaluated: 2025-12-27. Review status: criteria provided, single submitter. Criteria: Invitae Variant Classification Sherloc (09022015). Collection method: clinical testing. Allele origin: germline.
Comment: This sequence change replaces threonine, which is neutral and polar, with alanine, which is neutral and non-polar, at codon 144 of the KCNQ1 protein (p.Thr144Ala). This variant is not present in population databases (gnomAD no frequency). This missense change has been observed in individual(s) with long QT syndrome (PMID: 14678125, 17470695). It has also been observed to segregate with disease in related individuals. ClinVar contains an entry for this variant (Variation ID: 67073). Invitae Evidence Modeling of protein sequence and biophysical properties (such as structural, functional, and spatial information, amino acid conservation, physicochemical variation, residue mobility, and thermodynamic stability) has been performed for this missense variant. However, the output from this modeling did not meet the statistical confidence thresholds required to predict the impact of this variant on KCNQ1 protein function. Experimental studies have shown that this missense change affects KCNQ1 function (PMID: 23271449, 30571187). For these reasons, this variant has been classified as Pathogenic.

GeneDx
Classification: Uncertain significance. Last evaluated: 2024-09-24. Review status: criteria provided, single submitter. Criteria: GeneDx Variant Classification Process June 2021. Collection method: clinical testing. Allele origin: germline. Affected: yes.
Comment: Identified independently and in conjunction with additional cardiogenetic variants, including p.(R594P), in unrelated individuals referred for LQTS genetic testing at GeneDx. Testing in some other families was consistent with both p.(R594P) and p.(T144A) variants occurring in cis; segregation data is otherwise limited or unavailable at this time.; Not observed at significant frequency in large population cohorts (gnomAD); Functional studies demonstrated the p.(T144A) variant resulted in decreased potassium currents with slowed activation, accelerated deactivation kinetics, and/or a depolarizing shift in the voltage dependence of activation when expressed in homologous potassium channel genes (KCNQ2/3) (PMID: 23271449, 30571187); In silico analysis supports that this missense variant has a deleterious effect on protein structure/function; This variant is associated with the following publications: (PMID: 26734131, 21152909, 19716085, 17470695, 17224687, 22581653, 23271449, 14678125, 30571187)

Ambry Genetics
Classification: Uncertain significance for Cardiovascular phenotype. Last evaluated: 2022-01-13. Review status: criteria provided, single submitter. Criteria: Ambry Variant Classification Scheme 2023. Collection method: clinical testing. Allele origin: germline.

Cardiovascular Biomedical Research Unit, Royal Brompton & Harefield NHS Foundation Trust
No classification provided. Condition: Familial long QT syndrome. Review status: no classification provided. Collection method: literature only. Allele origin: germline. Not counted in ClinVar's aggregate classification.
Comment: This variant has been reported as associated with Long QT syndrome in the following publications (PMID:14678125;PMID:17224687;PMID:19716085;PMID:17470695). This is a literature report, and does not necessarily reflect the clinical interpretation of the Imperial College / Royal Brompton Cardiovascular Genetics laboratory.

Literature cited by the submitters: PubMed 14678125 (cited by Labcorp Genetics (formerly Invitae), Labcorp and Cardiovascular Biomedical Research Unit, Royal Brompton & Harefield NHS Foundation Trust); PubMed 17470695 (cited by Labcorp Genetics (formerly Invitae), Labcorp and Cardiovascular Biomedical Research Unit, Royal Brompton & Harefield NHS Foundation Trust); PubMed 23271449 (cited by Labcorp Genetics (formerly Invitae), Labcorp); PubMed 30571187 (cited by Labcorp Genetics (formerly Invitae), Labcorp); PubMed 17224687 (cited by Cardiovascular Biomedical Research Unit, Royal Brompton & Harefield NHS Foundation Trust); PubMed 19716085 (cited by Cardiovascular Biomedical Research Unit, Royal Brompton & Harefield NHS Foundation Trust); PubMed 22581653 (cited by Cardiovascular Biomedical Research Unit, Royal Brompton & Harefield NHS Foundation Trust).

NM_000218.3(KCNQ1):c.430A>G (p.Thr144Ala)

Gene: KCNQ1 (potassium voltage-gated channel subfamily Q member 1; plus strand). Cytogenetic location: 11p15.5.
Variant type: single nucleotide variant.
Coding change: c.430A>G on transcript NM_000218.3 (MANE Select); coding-DNA position 430, A replaced by G.
Protein change: p.Thr144Ala; replaces threonine 144 with alanine.
Molecular consequence: missense variant.
Genome position (GRCh38, 1-based): chr11:2,527,971, A>G. VCF-style: chr11-2527971-A-G. GRCh37 (hg19) VCF-style: chr11-2549201-A-G.
Other names: c.430A>G (LRG_287t1); c.430A>G, p.Thr144Ala (NM_001406836.1, NM_001406838.1); c.160A>G, p.Thr54Ala (NM_001406837.1); c.49A>G, p.Thr17Ala (NM_181798.2); short protein forms T144A, T17A, T54A.
Identifiers: ClinVar variation 67073 (VCV000067073.21), dbSNP rs199473451, ClinGen allele CA007072.